The following is an entry in ClinVar:

ClinVar aggregate classification (germline): Conflicting classifications of pathogenicity. Review status: criteria provided, conflicting classifications (1 of 4 stars). 5 submissions from 5 submitters: Uncertain significance (3); Likely benign (2). Last evaluated 2025-10-22.

Conditions:
Hereditary spherocytosis type 5. Also called: EPB42-Related Spherocytosis; EPB42-Related Hereditary Spherocytosis. Identifiers: Orphanet 822, MedGen C2675192, MONDO:0012985, OMIM 612690.
Inborn genetic diseases. Identifiers: MedGen C0950123, MeSH D030342.

Allele frequency attached by ClinVar (database versions not stated): ExAC 0.00004; gnomAD 0.00005; gnomAD exomes 0.00005; TOPMed 0.00005; ESP Exome Variant Server 0.00015; 1000 Genomes Project 30x 0.00016; 1000 Genomes Project 0.00020.

Submissions (5):

Labcorp Genetics (formerly Invitae), Labcorp
Classification: Uncertain significance. Last evaluated: 2025-10-22. Review status: criteria provided, single submitter. Criteria: Invitae Variant Classification Sherloc (09022015). Collection method: clinical testing. Allele origin: germline.
Comment: This sequence change replaces arginine, which is basic and polar, with glutamine, which is neutral and polar, at codon 584 of the EPB42 protein (p.Arg584Gln). This variant is present in population databases (rs150037117, gnomAD 0.02%). This variant has not been reported in the literature in individuals affected with EPB42-related conditions. ClinVar contains an entry for this variant (Variation ID: 316010). Invitae Evidence Modeling of protein sequence and biophysical properties (such as structural, functional, and spatial information, amino acid conservation, physicochemical variation, residue mobility, and thermodynamic stability) indicates that this missense variant is not expected to disrupt EPB42 protein function with a negative predictive value of 80%. In summary, the available evidence is currently insufficient to determine the role of this variant in disease. Therefore, it has been classified as a Variant of Uncertain Significance.

Revvity Omics, Revvity
Classification: Uncertain significance for Hereditary spherocytosis type 5. Last evaluated: 2024-12-04. Review status: criteria provided, single submitter. Criteria: ACMG Guidelines, 2015. Collection method: clinical testing. Allele origin: germline.

Ambry Genetics
Classification: Likely benign for Inborn genetic diseases. Last evaluated: 2024-07-07. Review status: criteria provided, single submitter. Criteria: Ambry Variant Classification Scheme 2023. Collection method: clinical testing. Allele origin: germline.

Blueprint Genetics
Classification: Likely benign. Last evaluated: 2024-04-01. Review status: criteria provided, single submitter. Criteria: ACMG Guidelines, 2015. Collection method: clinical testing. Allele origin: germline.

Illumina Laboratory Services, Illumina
Classification: Uncertain significance for Hereditary spherocytosis type 5. Last evaluated: 2018-01-13. Review status: criteria provided, single submitter. Criteria: ICSL Variant Classification Criteria 13 December 2019. Collection method: clinical testing. Allele origin: germline.

NM_001114134.2(EPB42):c.1661G>A (p.Arg554Gln)

Gene: EPB42 (erythrocyte membrane protein band 4.2; minus strand). Cytogenetic location: 15q15.2.
Variant type: single nucleotide variant.
Coding change: c.1661G>A on transcript NM_001114134.2 (MANE Select); coding-DNA position 1661, G replaced by A.
Protein change: p.Arg554Gln; replaces arginine 554 with glutamine.
Molecular consequence: missense variant.
Genome position (GRCh38, 1-based): chr15:43,203,233, C>T on the plus strand (G>A on the coding strand, the complement: EPB42 is on the minus strand). VCF-style: chr15-43203233-C-T. GRCh37 (hg19) VCF-style: chr15-43495431-C-T.
Other names: c.1751G>A, p.Arg584Gln (NM_000119.3); short protein forms R584Q, R554Q.
Identifiers: ClinVar variation 316010 (VCV000316010.9), dbSNP rs150037117, ClinGen allele CA7520250.